The following is an entry in ClinVar:

NM_017775.4(TTC19):c.417T>C (p.Tyr139=)

Gene: TTC19 (tetratricopeptide repeat domain 19; plus strand). Cytogenetic location: 17p12.
Variant type: single nucleotide variant.
Coding change: c.417T>C on transcript NM_017775.4 (MANE Select); coding-DNA position 417, T replaced by C.
Protein change: p.Tyr139=; no amino-acid change (tyrosine 139 retained).
Molecular consequence: synonymous variant.
Genome position (GRCh38, 1-based): chr17:16,002,019, T>C. VCF-style: chr17-16002019-T-C. GRCh37 (hg19) VCF-style: chr17-15905333-T-C.
Other names: c.96T>C, p.Tyr32= (NM_001271420.2).
Identifiers: ClinVar variation 682541 (VCV000682541.1), dbSNP rs766780467, ClinGen allele CA8407334.
Genomic context (GRCh38, chr17:16,002,019, plus strand): 5'-GCATGACGCTCTTCGTCTCGCCTATCAGACTGATAACAAGAAGGCCATCACTTACACTTA[T>C]GATTTGGTAACTCTTATAACCAGTCTGAACCACTGATGAGGAAGGTTGGATGGGAGGGAA-3'
Protein context (NP_060245.3, residues 129-149): TDNKKAITYT[Tyr139=]DLMANLAFIR

ClinVar aggregate classification (germline): Likely benign (1 of 4 stars; one submission).

Allele frequency attached by ClinVar (database versions not stated): gnomAD exomes 0.00001; TOPMed 0.00002; gnomAD 0.00006.
gnomAD v4.1: 11 of 1,610,172 alleles (0.00068%); highest among the groups gnomAD compares: Non-Finnish European, 0.00085%; no homozygotes.

Submission:

GeneDx
Classification: Likely benign. Last evaluated: 2018-05-11. Review status: criteria provided, single submitter. Criteria: GeneDx Variant Classification (06012015). Collection method: clinical testing. Allele origin: germline. Affected: yes.
Comment: This variant is considered likely benign or benign based on one or more of the following criteria: it is a conservative change, it occurs at a poorly conserved position in the protein, it is predicted to be benign by multiple in silico algorithms, and/or has population frequency not consistent with disease.